The following is an entry in ClinVar:

ClinVar aggregate classification (germline): Uncertain significance (1 of 4 stars; one submission).

Conditions:
C8A-related disorder. Also called: C8A-related condition.

Submission:

PreventionGenetics, part of Exact Sciences
Classification: Uncertain significance for C8A-related condition. Last evaluated: 2023-01-24. Review status: criteria provided, single submitter. Criteria: ACMG Guidelines, 2015. Collection method: clinical testing. Allele origin: germline.
Comment: The C8A c.482A>G variant is predicted to result in the amino acid substitution p.Gln161Arg. To our knowledge, this variant has not been reported in the literature or in a large population database, indicating this variant is rare. At this time, the clinical significance of this variant is uncertain due to the absence of conclusive functional and genetic evidence.

NM_000562.3(C8A):c.482A>G (p.Gln161Arg)

Gene: C8A (complement C8 alpha chain; plus strand). Cytogenetic location: 1p32.2.
Variant type: single nucleotide variant.
Coding change: c.482A>G on transcript NM_000562.3 (MANE Select); coding-DNA position 482, A replaced by G.
Protein change: p.Gln161Arg; replaces glutamine 161 with arginine.
Molecular consequence: missense variant.
Genome position (GRCh38, 1-based): chr1:56,881,462, A>G. VCF-style: chr1-56881462-A-G. GRCh37 (hg19) VCF-style: chr1-57347135-A-G.
Other names: short protein forms Q161R.
Identifiers: ClinVar variation 2630502 (VCV002630502.1), dbSNP rs2522534908, ClinGen allele CA340514449.
Genomic context (GRCh38, chr1:56,881,462, plus strand): 5'-CCAGCATCCACTAGCTATTTAGAAGCTGCTTTGTTCCATGTAGGTACAATATCCTGACCC[A>G]GGAAGATGCTCAGAGTGTGTACGATGCCAGTTATTATGGGGGCCAGTGTGAGACGGTATA-3'
Protein context (NP_000553.1, residues 151-171): KAALGYNILT[Gln161Arg]EDAQSVYDAS